The following is an entry in ClinVar:

ClinVar aggregate classification (germline): Benign. Review status: criteria provided, multiple submitters, no conflicts (2 of 4 stars). 5 submissions from 5 submitters: Benign (5). Last evaluated 2026-01-23.

Conditions:
Renal tubular dysgenesis. Also called: Renotubular dysgenesis. Identifiers: Orphanet 3033, MedGen C0266313, MONDO:0017609, HP:0008660.

Allele frequency attached by ClinVar (database versions not stated): gnomAD exomes 0.00516 and 0.00746; ExAC 0.00908; 1000 Genomes Project 0.01338; 1000 Genomes Project 30x 0.01359; ESP Exome Variant Server 0.01424; gnomAD 0.01432 and 0.01507; TOPMed 0.01647.
gnomAD v4.1: 10,096 of 1,606,582 alleles (0.63%); highest among the groups gnomAD compares: Middle Eastern, 3.9%; 101 homozygotes.

Submissions (5):

Labcorp Genetics (formerly Invitae), Labcorp
Classification: Benign. Last evaluated: 2026-01-23. Review status: criteria provided, single submitter. Criteria: Invitae Variant Classification Sherloc (09022015). Collection method: clinical testing. Allele origin: germline.

Mayo Clinic Laboratories, Mayo Clinic
Classification: Benign. Last evaluated: 2025-02-20. Review status: criteria provided, single submitter. Criteria: ACMG Guidelines, 2015. Collection method: clinical testing. Allele origin: germline. Observed: 1 variant allele.
Comment: BS1, BS2, BP4, BP7

Illumina Laboratory Services, Illumina
Classification: Benign for Renal tubular dysgenesis of genetic origin. Last evaluated: 2018-01-12. Review status: criteria provided, single submitter. Criteria: ICSL Variant Classification Criteria 13 December 2019. Collection method: clinical testing. Allele origin: germline.
Comment: This variant was observed in the ICSL laboratory as part of a predisposition screen in an ostensibly healthy population. It had not been previously curated by ICSL or reported in the Human Gene Mutation Database (HGMD: prior to June 1st, 2018), and was therefore a candidate for classification through an automated scoring system. Utilizing variant allele frequency, disease prevalence and penetrance estimates, and inheritance mode, an automated score was calculated to assess if this variant is too frequent to cause the disease. Based on the score and internal cut-off values, a variant classified as benign is not then subjected to further curation. The score for this variant resulted in a classification of benign for this disease.

Breakthrough Genomics
Classification: Benign. Review status: criteria provided, single submitter. Criteria: ACMG Guidelines, 2015. Collection method: not provided. Allele origin: germline. Inheritance: Autosomal recessive inheritance. Affected: yes.

PreventionGenetics, part of Exact Sciences
Classification: Benign. Review status: criteria provided, single submitter. Criteria: ACMG Guidelines, 2015. Collection method: clinical testing. Allele origin: germline.

NM_000789.4(ACE):c.3691+5C>T

Gene: ACE (angiotensin I converting enzyme; plus strand). Cytogenetic location: 17q23.3.
Variant type: single nucleotide variant.
Coding change: c.3691+5C>T on transcript NM_000789.4 (MANE Select); 5 bases into the intron after coding-DNA position 3691, C replaced by T.
Molecular consequence: intron variant.
Genome position (GRCh38, 1-based): chr17:63,496,990, C>T. VCF-style: chr17-63496990-C-T. GRCh37 (hg19) VCF-style: chr17-61574351-C-T.
Other names: c.1969+5C>T (NM_152830.3); c.1846+5C>T (NM_001178057.2).
Identifiers: ClinVar variation 256805 (VCV000256805.18), dbSNP rs12720744, ClinGen allele CA8700595.
Genomic context (GRCh38, chr17:63,496,990, plus strand): 5'-CGAGCTGCATGGGGAGAAGCTGGGCTGGCCGCAGTACAACTGGACGCCGAACTCCGGTAC[C>T]GCCACCCACCCCACCTCCAGCCTTGGGTCTTAACCCCCTCCCCAGGCTGGGCAGCCATGC-3'